The following is an entry in ClinVar:

ClinVar aggregate classification (germline): Uncertain significance (1 of 4 stars; one submission).

Conditions:
ADCY3-related disorder. Also called: ADCY3-related condition.

gnomAD v4.1: 35 of 1,609,884 alleles (0.0022%); highest among the groups gnomAD compares: African/African-American, 0.035%; no homozygotes.

Submission:

PreventionGenetics, part of Exact Sciences
Classification: Uncertain significance for ADCY3-related condition. Last evaluated: 2026-06-18. Review status: criteria provided, single submitter. Criteria: ACMG Guidelines, 2015. Collection method: clinical testing. Allele origin: germline.
Comment: The ADCY3 c.1205G>A variant is predicted to result in the amino acid substitution p.Arg402Gln. To our knowledge, this variant has not been reported in the literature. This variant is reported in 0.044% of alleles in individuals of African descent in gnomAD. At this time, the clinical significance of this variant is uncertain due to the absence of conclusive functional and genetic evidence.

NM_004036.5(ADCY3):c.1205G>A (p.Arg402Gln)

Gene: ADCY3 (adenylate cyclase 3; minus strand). Cytogenetic location: 2p23.3.
Variant type: single nucleotide variant.
Coding change: c.1205G>A on transcript NM_004036.5 (MANE Select); coding-DNA position 1205, G replaced by A.
Protein change: p.Arg402Gln; replaces arginine 402 with glutamine.
Molecular consequence: missense variant.
Genome position (GRCh38, 1-based): chr2:24,840,023, C>T on the plus strand (G>A on the coding strand, the complement: ADCY3 is on the minus strand). VCF-style: chr2-24840023-C-T. GRCh37 (hg19) VCF-style: chr2-25062892-C-T.
Other names: c.1205G>A, p.Arg402Gln (NM_001320613.2, NM_001377128.1, NM_001377129.1 and 2 more transcripts); c.482G>A, p.Arg161Gln (NM_001377131.1); short protein forms R161Q, R402Q.
Identifiers: ClinVar variation 3353212 (VCV003353212.2).